The following is an entry in ClinVar:

ClinVar aggregate classification (germline): Uncertain significance (1 of 4 stars; one submission).

Conditions:
Dilated cardiomyopathy 1O (CMD1O). Also called: CARDIOMYOPATHY, DILATED, WITH VENTRICULAR TACHYCARDIA. Identifiers: Orphanet 154, MedGen C1837839, MONDO:0012062, OMIM 608569.

gnomAD v4.1: 1 of 1,611,846 alleles (0.000062%); highest among the groups gnomAD compares: African/African-American, 0.0013%; no homozygotes.

Submission:

Labcorp Genetics (formerly Invitae), Labcorp
Classification: Uncertain significance for Dilated cardiomyopathy 1O. Last evaluated: 2024-11-19. Review status: criteria provided, single submitter. Criteria: Invitae Variant Classification Sherloc (09022015). Collection method: clinical testing. Allele origin: germline.
Comment: This sequence change falls in intron 24 of the ABCC9 gene. It does not directly change the encoded amino acid sequence of the ABCC9 protein. It affects a nucleotide within the consensus splice site. This variant is present in population databases (no rsID available, gnomAD 0.007%). This variant has not been reported in the literature in individuals affected with ABCC9-related conditions. Variants that disrupt the consensus splice site are a relatively common cause of aberrant splicing (PMID: 17576681, 9536098). Algorithms developed to predict the effect of sequence changes on RNA splicing suggest that this variant is not likely to affect RNA splicing. In summary, the available evidence is currently insufficient to determine the role of this variant in disease. Therefore, it has been classified as a Variant of Uncertain Significance.

Literature cited by the submitters: PubMed 17576681; PubMed 9536098.

NM_020297.4(ABCC9):c.3096+6A>T

Gene: ABCC9 (ATP binding cassette subfamily C member 9; minus strand). Cytogenetic location: 12p12.1.
Variant type: single nucleotide variant.
Coding change: c.3096+6A>T on transcript NM_020297.4 (MANE Select); 6 bases into the intron after coding-DNA position 3096, A replaced by T.
Molecular consequence: intron variant.
Genome position (GRCh38, 1-based): chr12:21,845,597, T>A on the plus strand (A>T on the coding strand, the complement: ABCC9 is on the minus strand). VCF-style: chr12-21845597-T-A. GRCh37 (hg19) VCF-style: chr12-21998531-T-A.
Other names: c.2229+6A>T (NM_001377274.1); c.3096+6A>T (NM_005691.4, NM_001377273.1).
Identifiers: ClinVar variation 3725647 (VCV003725647.2).
Genomic context (GRCh38, chr12:21,845,597, plus strand): 5'-AGAAGGTATCACTGTTAATCTCAATATTTCCTTGATGATTTAAAAACAAAACCGAACCAA[T>A]TGTACCTGATCAGCTTTTCCAGTATTGTTTATACTGTACTCCGATGTCCATGTGGCCAGC-3'